The following is an entry in ClinVar:

ClinVar aggregate classification (germline): Uncertain significance (1 of 4 stars; one submission).

Conditions:
Progressive myoclonic epilepsy type 9. Identifiers: Orphanet 457265, MedGen C4225289, MONDO:0014685, OMIM 616540.
Lipodystrophy, partial, acquired, susceptibility to (APLD). Also called: APLD, SUSCEPTIBILITY TO. Identifiers: MedGen C3887501, MONDO:0100476, OMIM 608709.

Allele frequency attached by ClinVar (database versions not stated): gnomAD exomes below 0.00001.
gnomAD v4.1: 1 of 1,599,724 alleles (0.000063%); highest among the groups gnomAD compares: Non-Finnish European, 0.000085%; no homozygotes.

Submission:

Labcorp Genetics (formerly Invitae), Labcorp
Classification: Uncertain significance for Progressive myoclonic epilepsy type 9; Lipodystrophy, partial, acquired, susceptibility to. Last evaluated: 2020-03-06. Review status: criteria provided, single submitter. Criteria: Invitae Variant Classification Sherloc (09022015). Collection method: clinical testing. Allele origin: germline.
Comment: This variant is not present in population databases (ExAC no frequency). This sequence change replaces alanine with aspartic acid at codon 417 of the LMNB2 protein (p.Ala417Asp). The alanine residue is highly conserved and there is a moderate physicochemical difference between alanine and aspartic acid. This variant has not been reported in the literature in individuals with LMNB2-related conditions. In summary, the available evidence is currently insufficient to determine the role of this variant in disease. Therefore, it has been classified as a Variant of Uncertain Significance. Algorithms developed to predict the effect of missense changes on protein structure and function (SIFT, PolyPhen-2, Align-GVGD) all suggest that this variant is likely to be disruptive, but these predictions have not been confirmed by published functional studies and their clinical significance is uncertain.

NM_032737.4(LMNB2):c.1250C>A (p.Ala417Asp)

Gene: LMNB2 (lamin B2; minus strand). Cytogenetic location: 19p13.3.
Variant type: single nucleotide variant.
Coding change: c.1250C>A on transcript NM_032737.4 (MANE Select); coding-DNA position 1250, C replaced by A.
Protein change: p.Ala417Asp; replaces alanine 417 with aspartic acid.
Molecular consequence: missense variant.
Genome position (GRCh38, 1-based): chr19:2,434,058, G>T on the plus strand (C>A on the coding strand, the complement: LMNB2 is on the minus strand). VCF-style: chr19-2434058-G-T. GRCh37 (hg19) VCF-style: chr19-2434056-G-T.
Other names: short protein forms A417D.
Identifiers: ClinVar variation 1061253 (VCV001061253.9), dbSNP rs2145447793, ClinGen allele CA403252197.